The following is an entry in ClinVar:

ClinVar aggregate classification (germline): Conflicting classifications of pathogenicity. Review status: criteria provided, conflicting classifications (1 of 4 stars). 2 submissions from 2 submitters: Uncertain significance (1); Likely benign (1). Last evaluated 2024-07-22.

Conditions:
Inborn genetic diseases. Identifiers: MedGen C0950123, MeSH D030342.

Allele frequency attached by ClinVar (database versions not stated): gnomAD exomes below 0.00001.
gnomAD v4.1: 2 of 1,613,902 alleles (0.00012%); highest among the groups gnomAD compares: Non-Finnish European, 0.00017%; no homozygotes.

Submissions (2):

Ambry Genetics
Classification: Likely benign for Inborn genetic diseases. Last evaluated: 2024-07-22. Review status: criteria provided, single submitter. Criteria: Ambry Variant Classification Scheme 2023. Collection method: clinical testing. Allele origin: germline.

Labcorp Genetics (formerly Invitae), Labcorp
Classification: Uncertain significance. Last evaluated: 2021-07-04. Review status: criteria provided, single submitter. Criteria: Invitae Variant Classification Sherloc (09022015). Collection method: clinical testing. Allele origin: germline.
Comment: This sequence change replaces serine with asparagine at codon 478 of the ORC1 protein (p.Ser478Asn). The serine residue is weakly conserved and there is a small physicochemical difference between serine and asparagine. This variant is not present in population databases (ExAC no frequency). This variant has not been reported in the literature in individuals affected with ORC1-related conditions. Algorithms developed to predict the effect of missense changes on protein structure and function output the following: SIFT: "Tolerated"; PolyPhen-2: "Benign"; Align-GVGD: "Class C0". The asparagine amino acid residue is found in multiple mammalian species, which suggests that this missense change does not adversely affect protein function. In summary, the available evidence is currently insufficient to determine the role of this variant in disease. Therefore, it has been classified as a Variant of Uncertain Significance.

NM_004153.4(ORC1):c.1433G>A (p.Ser478Asn)

Gene: ORC1 (origin recognition complex subunit 1; minus strand). Cytogenetic location: 1p32.3.
Variant type: single nucleotide variant.
Coding change: c.1433G>A on transcript NM_004153.4 (MANE Select); coding-DNA position 1433, G replaced by A.
Protein change: p.Ser478Asn; replaces serine 478 with asparagine.
Molecular consequence: missense variant.
Genome position (GRCh38, 1-based): chr1:52,385,900, C>T on the plus strand (G>A on the coding strand, the complement: ORC1 is on the minus strand). VCF-style: chr1-52385900-C-T. GRCh37 (hg19) VCF-style: chr1-52851572-C-T.
Other names: c.1433G>A, p.Ser478Asn (NM_001190818.2); c.1418G>A, p.Ser473Asn (NM_001190819.2); c.1433G>A (NM_004153.3); short protein forms S473N, S478N.
Identifiers: ClinVar variation 1523132 (VCV001523132.9), dbSNP rs946676889, ClinGen allele CA22511731.